The following is an entry in ClinVar:

ClinVar aggregate classification (germline): Benign. Review status: criteria provided, multiple submitters, no conflicts (2 of 4 stars). 2 submissions from 2 submitters: Benign (2). Last evaluated 2018-01-12.

Conditions:
Pseudohypoparathyroidism type 1B (PHP1B). Also called: PHP IB; Pseudohypoparathyroidism Ib (PHP-Ib); Pseudohypoparathyroidism Type IB. Identifiers: Orphanet 94089, MedGen C1864100, MONDO:0011301, OMIM 603233.

Allele frequency attached by ClinVar (database versions not stated): 1000 Genomes Project 30x 0.19706; 1000 Genomes Project 0.20447; TOPMed 0.22946; gnomAD 0.23902 and 0.24059; gnomAD exomes 0.33333.
gnomAD v4.1: 36,410 of 152,168 alleles (24%); highest among the groups gnomAD compares: Non-Finnish European, 28%; 4,623 homozygotes.

Submissions (2):

Illumina Laboratory Services, Illumina
Classification: Benign for Pseudohypoparathyroidism type 1B. Last evaluated: 2018-01-12. Review status: criteria provided, single submitter. Criteria: ICSL Variant Classification Criteria 13 December 2019. Collection method: clinical testing. Allele origin: germline.
Comment: This variant was observed in the ICSL laboratory as part of a predisposition screen in an ostensibly healthy population. It had not been previously curated by ICSL or reported in the Human Gene Mutation Database (HGMD: prior to June 1st, 2018), and was therefore a candidate for classification through an automated scoring system. Utilizing variant allele frequency, disease prevalence and penetrance estimates, and inheritance mode, an automated score was calculated to assess if this variant is too frequent to cause the disease. Based on the score and internal cut-off values, a variant classified as benign is not then subjected to further curation. The score for this variant resulted in a classification of benign for this disease.

Breakthrough Genomics
Classification: Benign. Review status: criteria provided, single submitter. Criteria: ACMG Guidelines, 2015. Collection method: not provided. Allele origin: germline. Inheritance: Autosomal dominant inheritance. Affected: yes.

NM_001001433.3(STX16):c.*1928C>T

Genes: STX16 (syntaxin 16; plus strand), STX16-NPEPL1 (STX16-NPEPL1 readthrough (NMD candidate); plus strand). Cytogenetic location: 20q13.32.
Variant type: single nucleotide variant.
Coding change: c.*1928C>T on transcript NM_001001433.3 (MANE Select); 1928 bases downstream of the stop codon, C replaced by T.
Molecular consequence: 3 prime UTR variant. On other transcripts: non-coding transcript variant (3).
Genome position (GRCh38, 1-based): chr20:58,678,219, C>T. VCF-style: chr20-58678219-C-T. GRCh37 (hg19) VCF-style: chr20-57253275-C-T.
Other names: c.*1928C>T (NM_001134772.3, NM_001134773.3, NM_001204868.2 and 1 more transcripts).
Identifiers: ClinVar variation 339087 (VCV000339087.6), dbSNP rs11578, ClinGen allele CA10652718.
Genomic context (GRCh38, chr20:58,678,219, plus strand): 5'-CTCAAAAACAGTCCACAGTGGCAATACCGGACTTCTGTTCAAGCTTTTTAAAGTGCTGAG[C>T]CTTACAAACCCCTGAAGGAAAGTGACCCTTTAAGAGAGGATCATCTTTTTTTATATTTAT-3'